The following is an entry in ClinVar:

ClinVar aggregate classification (germline): Benign. Review status: criteria provided, single submitter (1 of 4 stars). 2 submissions from 1 submitter: Benign (2). Last evaluated 2018-01-12.

Conditions:
Branchiootic syndrome 3 (BOS3). Also called: BO SYNDROME 3. Identifiers: MedGen C1842124, MONDO:0012025, OMIM 608389.
Autosomal dominant nonsyndromic hearing loss 23. Identifiers: Orphanet 90635, MedGen C1854594, MONDO:0011519, OMIM 605192.

Allele frequency attached by ClinVar (database versions not stated): gnomAD 0.00007 and 0.00143; TOPMed 0.00020; 1000 Genomes Project 0.01078.
gnomAD v4.1: 2,277 of 852,416 alleles (0.27%); highest among the groups gnomAD compares: South Asian, 3.6%; 56 homozygotes.

Submissions (2):

Illumina Laboratory Services, Illumina
Classification: Benign for Branchiootic syndrome 3. Last evaluated: 2018-01-12. Review status: criteria provided, single submitter. Criteria: ICSL Variant Classification Criteria 13 December 2019. Collection method: clinical testing. Allele origin: germline.
Comment: This variant was observed in the ICSL laboratory as part of a predisposition screen in an ostensibly healthy population. It had not been previously curated by ICSL or reported in the Human Gene Mutation Database (HGMD: prior to June 1st, 2018), and was therefore a candidate for classification through an automated scoring system. Utilizing variant allele frequency, disease prevalence and penetrance estimates, and inheritance mode, an automated score was calculated to assess if this variant is too frequent to cause the disease. Based on the score and internal cut-off values, a variant classified as benign is not then subjected to further curation. The score for this variant resulted in a classification of benign for this disease.

Illumina Laboratory Services, Illumina
Classification: Benign for Autosomal dominant nonsyndromic hearing loss 23. Last evaluated: 2018-01-12. Review status: criteria provided, single submitter. Criteria: ICSL Variant Classification Criteria 13 December 2019. Collection method: clinical testing. Allele origin: germline.
Comment: the same text as in the submission from Illumina Laboratory Services, Illumina above.

NM_005982.4(SIX1):c.-121C>G

Gene: SIX1 (SIX homeobox 1; minus strand). Cytogenetic location: 14q23.1.
Variant type: single nucleotide variant.
Coding change: c.-121C>G on transcript NM_005982.4 (MANE Select); 121 bases upstream of the start codon, C replaced by G.
Molecular consequence: 5 prime UTR variant.
Genome position (GRCh38, 1-based): chr14:60,649,310, G>C on the plus strand (C>G on the coding strand, the complement: SIX1 is on the minus strand). VCF-style: chr14-60649310-G-C. GRCh37 (hg19) VCF-style: chr14-61116028-G-C.
Identifiers: ClinVar variation 313469 (VCV000313469.5), dbSNP rs375002099, ClinGen allele CA10640402.